The following is an entry in ClinVar:

ClinVar aggregate classification (germline): Uncertain significance (1 of 4 stars; one submission).

Conditions:
Rubinstein-Taybi syndrome (RSTS). Identifiers: Orphanet 783, MedGen C0035934, MONDO:0019188.

Submission:

Labcorp Genetics (formerly Invitae), Labcorp
Classification: Uncertain significance for Rubinstein-Taybi syndrome. Last evaluated: 2025-02-17. Review status: criteria provided, single submitter. Criteria: Invitae Variant Classification Sherloc (09022015). Collection method: clinical testing. Allele origin: germline.
Comment: This sequence change replaces serine, which is neutral and polar, with asparagine, which is neutral and polar, at codon 1533 of the CREBBP protein (p.Ser1533Asn). This variant is not present in population databases (gnomAD no frequency). This variant has not been reported in the literature in individuals affected with CREBBP-related conditions. Invitae Evidence Modeling of protein sequence and biophysical properties (such as structural, functional, and spatial information, amino acid conservation, physicochemical variation, residue mobility, and thermodynamic stability) has been performed for this missense variant. However, the output from this modeling did not meet the statistical confidence thresholds required to predict the impact of this variant on CREBBP protein function. In summary, the available evidence is currently insufficient to determine the role of this variant in disease. Therefore, it has been classified as a Variant of Uncertain Significance.

NM_004380.3(CREBBP):c.4598G>A (p.Ser1533Asn)

Gene: CREBBP (CREB binding lysine acetyltransferase; minus strand). Cytogenetic location: 16p13.3.
Variant type: single nucleotide variant.
Coding change: c.4598G>A on transcript NM_004380.3 (MANE Select); coding-DNA position 4598, G replaced by A.
Protein change: p.Ser1533Asn; replaces serine 1533 with asparagine.
Molecular consequence: missense variant.
Genome position (GRCh38, 1-based): chr16:3,736,166, C>T on the plus strand (G>A on the coding strand, the complement: CREBBP is on the minus strand). VCF-style: chr16-3736166-C-T. GRCh37 (hg19) VCF-style: chr16-3786167-C-T.
Other names: c.4484G>A, p.Ser1495Asn (NM_001079846.1); short protein forms S1495N, S1533N.
Identifiers: ClinVar variation 3631863 (VCV003631863.2).